The following is an entry in ClinVar:

NM_000310.4(PPT1):c.433+1G>A

Gene: PPT1 (palmitoyl-protein thioesterase 1; minus strand). Cytogenetic location: 1p34.2.
Variant type: single nucleotide variant.
Coding change: c.433+1G>A on transcript NM_000310.4 (MANE Select); the canonical splice donor site of the intron after coding-DNA position 433, G replaced by A.
Molecular consequence: splice donor variant. On other transcripts: intron variant (1).
Genome position (GRCh38, 1-based): chr1:40,091,328, C>T on the plus strand (G>A on the coding strand, the complement: PPT1 is on the minus strand). VCF-style: chr1-40091328-C-T. GRCh37 (hg19) VCF-style: chr1-40557000-C-T.
Other names: c.125-1816G>A (NM_001142604.2); c.433+1G>A (NM_001363695.2).
Identifiers: ClinVar variation 557200 (VCV000557200.6), dbSNP rs1553167415, ClinGen allele CA339848794.
Genomic context (GRCh38, chr1:40,091,328, plus strand): 5'-TTAAATCAGGTGGTCATGTGGGTTAGAATACAGAAAAAAGAAAGCAAAGAGGCAAAGTTA[C>T]CTTGATGTTGTCCCCCAACCGAGATCAGATTGATCATGGGAGGTGAAGGGCATCTCTGAG-3'

ClinVar aggregate classification (germline): Pathogenic. Review status: criteria provided, multiple submitters, no conflicts (2 of 4 stars). 3 submissions from 3 submitters: Pathogenic (2). 1 of the submissions does not count toward it. Last evaluated 2023-10-03.

Conditions:
Neuronal ceroid lipofuscinosis 1 (CLN1). Also called: CEROID LIPOFUSCINOSIS, NEURONAL, 1, VARIABLE AGE AT ONSET; PPT1-Related Neuronal Ceroid-Lipofuscinosis. Identifiers: Orphanet 228329, MedGen C1850451, MONDO:0009744, OMIM 256730.

Submissions (3):

Labcorp Genetics (formerly Invitae), Labcorp
Classification: Pathogenic for Neuronal ceroid lipofuscinosis 1. Last evaluated: 2023-10-03. Review status: criteria provided, single submitter. Criteria: Invitae Variant Classification Sherloc (09022015). Collection method: clinical testing. Allele origin: germline.
Comment: This sequence change affects a donor splice site in intron 4 of the PPT1 gene. It is expected to disrupt RNA splicing. Variants that disrupt the donor or acceptor splice site typically lead to a loss of protein function (PMID: 16199547), and loss-of-function variants in PPT1 are known to be pathogenic (PMID: 10679943, 21990111). This variant is not present in population databases (gnomAD no frequency). Disruption of this splice site has been observed in individuals with neuronal ceroid lipofuscinosis 1 (PMID: 31489614; Invitae). ClinVar contains an entry for this variant (Variation ID: 557200). Algorithms developed to predict the effect of sequence changes on RNA splicing suggest that this variant may disrupt the consensus splice site. For these reasons, this variant has been classified as Pathogenic.

3billion
Classification: Pathogenic for Neuronal ceroid lipofuscinosis 1. Last evaluated: 2022-09-01. Review status: criteria provided, single submitter. Criteria: ACMG Guidelines, 2015. Collection method: clinical testing. Allele origin: germline. Affected: yes. Observed: 1 heterozygote.
Comment: The variant is not observed in the gnomAD v2.1.1 dataset. Canonical splice site is predicted to alter splicing and result in a loss or disruption of normal protein function. Multiple pathogenic loss-of-function variants are reported downstream of the variant. The variant has been reported to be in trans with a pathogenic variant as either compound heterozygous or homozygous in at least one similarly affected unrelated individual (3billion dataset). The variant has been reported to be associated with PPT1-related disorder (ClinVar ID: VCV000557200). Therefore, this variant is classified as Pathogenic according to the recommendation of ACMG/AMP guideline.

Counsyl
Classification: Likely pathogenic for Neuronal ceroid lipofuscinosis 1. Last evaluated: 2018-03-12. Review status: no assertion criteria provided. Collection method: clinical testing. Allele origin: unknown. Not counted in ClinVar's aggregate classification.

Literature cited by the submitters: PubMed 16199547 (cited by Labcorp Genetics (formerly Invitae), Labcorp); PubMed 10679943 (cited by Labcorp Genetics (formerly Invitae), Labcorp); PubMed 21990111 (cited by Labcorp Genetics (formerly Invitae), Labcorp); PubMed 31489614 (cited by Labcorp Genetics (formerly Invitae), Labcorp).